The following is an entry in ClinVar:

ClinVar aggregate classification (germline): Benign (1 of 4 stars; one submission).

Allele frequency attached by ClinVar (database versions not stated): 1000 Genomes Project 30x 0.38851; 1000 Genomes Project 0.39776; gnomAD 0.39978 and 0.40063; TOPMed 0.40772.
gnomAD v4.1: 60,883 of 152,004 alleles (40%); highest among the groups gnomAD compares: East Asian, 56%; 12,753 homozygotes.

Submission:

GeneDx
Classification: Benign. Last evaluated: 2018-06-14. Review status: criteria provided, single submitter. Criteria: GeneDx Variant Classification (06012015). Collection method: clinical testing. Allele origin: germline. Affected: yes.
Comment: This variant is considered likely benign or benign based on one or more of the following criteria: it is a conservative change, it occurs at a poorly conserved position in the protein, it is predicted to be benign by multiple in silico algorithms, and/or has population frequency not consistent with disease.

NM_000642.3(AGL):c.3700+290A>G

Gene: AGL (amylo-alpha-1,6-glucosidase and 4-alpha-glucanotransferase; plus strand). Cytogenetic location: 1p21.2.
Variant type: single nucleotide variant.
Coding change: c.3700+290A>G on transcript NM_000642.3 (MANE Select); 290 bases into the intron after coding-DNA position 3700, A replaced by G.
Molecular consequence: intron variant.
Genome position (GRCh38, 1-based): chr1:99,903,084, A>G. VCF-style: chr1-99903084-A-G. GRCh37 (hg19) VCF-style: chr1-100368640-A-G.
Other names: c.3700+290A>G (NM_000643.3, NM_000644.3, NM_001425325.1 and 1 more transcripts); c.3652+290A>G (NM_000646.3); c.3679+290A>G (NM_001425326.1); c.3499+290A>G (NM_001425327.1); c.3496+290A>G (NM_001425328.1); c.3361+290A>G (NM_001425329.1); c.3322+290A>G (NM_001425332.1).
Identifiers: ClinVar variation 682729 (VCV000682729.1), dbSNP rs17121609, ClinGen allele CA10970312.
Genomic context (GRCh38, chr1:99,903,084, plus strand): 5'-ATAATCGCCATGAACTGCATGCTTACTATTGCTAGGCATTGTGGTAACTACTTTACCTAT[A>G]TTATTACCATTTAACACTCCCCAAAACATTGAGAATGAGTGATATTGTTTCCATTTTTTT-3'